The following is an entry in ClinVar:

NM_080732.4(EGLN2):c.950A>G (p.Asn317Ser)

Genes: EGLN2 (egl-9 family hypoxia inducible factor 2; plus strand), RAB4B-EGLN2 (RAB4B-EGLN2 readthrough (NMD candidate); plus strand). Cytogenetic location: 19q13.2.
Variant type: single nucleotide variant.
Coding change: c.950A>G on transcript NM_080732.4 (MANE Select); coding-DNA position 950, A replaced by G.
Protein change: p.Asn317Ser; replaces asparagine 317 with serine.
Molecular consequence: missense variant. On other transcripts: non-coding transcript variant (1).
Genome position (GRCh38, 1-based): chr19:40,806,661, A>G. VCF-style: chr19-40806661-A-G. GRCh37 (hg19) VCF-style: chr19-41312566-A-G.
Other names: c.950A>G, p.Asn317Ser (NM_053046.4); short protein forms N317S.
Identifiers: ClinVar variation 1767200 (VCV001767200.3), dbSNP rs763264629, ClinGen allele CA9452361.

ClinVar aggregate classification (germline): Uncertain significance (1 of 4 stars; one submission).

Allele frequency attached by ClinVar (database versions not stated): gnomAD exomes below 0.00001; TOPMed below 0.00001; ExAC 0.00001; gnomAD 0.00001.
gnomAD v4.1: 2 of 1,613,740 alleles (0.00012%); highest among the groups gnomAD compares: African/African-American, 0.0013%; no homozygotes.

Submission:

Ambry Genetics
Classification: Uncertain significance. Last evaluated: 2024-09-23. Review status: criteria provided, single submitter. Criteria: Ambry Variant Classification Scheme 2023. Collection method: clinical testing. Allele origin: germline.
Comment: The p.N317S variant (also known as c.950A>G), located in coding exon 2 of the EGLN2 gene, results from an A to G substitution at nucleotide position 950. The asparagine at codon 317 is replaced by serine, an amino acid with highly similar properties. This amino acid position is conserved. In addition, this alteration is predicted to be tolerated by in silico analysis. Since supporting evidence is limited at this time, the clinical significance of this alteration remains unclear.